The following is an entry in ClinVar:

NM_000465.4(BARD1):c.2099dup (p.Gln701fs)

Gene: BARD1 (BRCA1 associated RING domain 1; minus strand). Cytogenetic location: 2q35.
Variant type: Duplication.
Coding change: c.2099dup on transcript NM_000465.4 (MANE Select); coding-DNA position 2099, one base duplicated (G; older notation c.2099dupG).
Protein change: p.Gln701fs; shifts the reading frame from glutamine 701.
Molecular consequence: frameshift variant. On other transcripts: non-coding transcript variant (3).
Genome position (GRCh38, 1-based): chr2:214,728,911, C duplicated on the plus strand (G on the coding strand, the reverse complement: BARD1 is on the minus strand); the first of 5 consecutive C bases (chr2:214,728,911-214,728,915); duplicating any one gives the same sequence. VCF-style (leftmost placement, unchanged base first): chr2-214728910-G-GC. GRCh37 (hg19) VCF-style: chr2-215593634-G-GC.
Other names: c.2042dup, p.Gln682fs (NM_001282543.2); c.746dup, p.Gln250fs (NM_001282545.2); c.689dup, p.Gln231fs (NM_001282548.2); c.560dup, p.Gln188fs (NM_001282549.2); short protein forms Q231fs, Q250fs, Q701fs, Q188fs, Q682fs.
Identifiers: ClinVar variation 1785844 (VCV001785844.5), dbSNP rs1553612184, ClinGen allele CA2580065636.

ClinVar aggregate classification (germline): Likely pathogenic. Review status: criteria provided, multiple submitters, no conflicts (2 of 4 stars). 2 submissions from 2 submitters: Likely pathogenic (2). Last evaluated 2023-11-25.

Conditions:
Hereditary cancer-predisposing syndrome. Also called: Neoplastic Syndromes, Hereditary; Tumor predisposition; Hereditary Cancer Syndrome; Hereditary neoplastic syndrome. Identifiers: Orphanet 140162, MedGen C0027672, MeSH D009386, MONDO:0015356.
Familial cancer of breast. Also called: BREAST CANCER, FAMILIAL; Hereditary breast cancer; hereditary breast carcinoma. Identifiers: Orphanet 227535, MedGen C0346153, MONDO:0016419, OMIM 114480. Disease mechanism: loss of function.

Submissions (2):

Labcorp Genetics (formerly Invitae), Labcorp
Classification: Likely pathogenic for Familial cancer of breast. Last evaluated: 2023-11-25. Review status: criteria provided, single submitter. Criteria: Invitae Variant Classification Sherloc (09022015). Collection method: clinical testing. Allele origin: germline.
Comment: This sequence change creates a premature translational stop signal (p.Gln701Profs*5) in the BARD1 gene. While this is not anticipated to result in nonsense mediated decay, it is expected to disrupt the last 77 amino acid(s) of the BARD1 protein. This variant is not present in population databases (gnomAD no frequency). This variant has not been reported in the literature in individuals affected with BARD1-related conditions. ClinVar contains an entry for this variant (Variation ID: 1785844). This variant disrupts the C-terminal BRCT domain of BARD1 protein, which is required for chromosome stability and homology-directed repair (PMID: 17848578). A different variant (p.Val767fs) that lies downstream of this variant has been reported to affect BARD1 protein function (PMID: 30925164), this suggests that disruption of this region of the protein is causative of disease. In summary, the currently available evidence indicates that the variant is pathogenic, but additional data are needed to prove that conclusively. Therefore, this variant has been classified as Likely Pathogenic.

Ambry Genetics
Classification: Likely pathogenic for Hereditary cancer-predisposing syndrome. Last evaluated: 2020-11-06. Review status: criteria provided, single submitter. Criteria: Ambry Variant Classification Scheme 2023. Collection method: clinical testing. Allele origin: germline.
Comment: The c.2099dupG variant, located in coding exon 11 of the BARD1 gene, results from a duplication of G at nucleotide position 2099, causing a translational frameshift with a predicted alternate stop codon (p.Q701Pfs*5). This alteration occurs at the 3' terminus of theBARD1 gene, is not expected to trigger nonsense-mediated mRNA decay, and only impacts the last 113 amino acids of the protein. However, structural analysis suggests this alteration results in loss of a large part of a well-ordered C-terminal BRCT domain with destabilization of the structure, which could disrupt protein-protein interactions (Birrane G et al. Biochemistry. 2007 Jul; 46(26):7706-12; Feki A et al. Oncogene. 2005 May; 24(23):3726-36; Edwards RA et al. Biochemistry. 2008 Nov; 47(44):11446-56; Rodriguez M et al. J. Biol. Chem. 2003 Dec; 278(52):52914-8; Ambry internal data). In addition, this alteration impacts the BRCT domain of BARD1, which has been shown to be necessary for homology-directed DNA repair (Laufer M et al. J Biol Chem, 2007 Nov;282:34325-33, Adamovich AI et al. PLoS Genet, 2019 03;15:e1008049). This variant was not reported in population-based cohorts in the Genome Aggregation Database (gnomAD). Based on the majority of available evidence to date, this variant is likely to be pathogenic.

Literature cited by the submitters: PubMed 17848578 (cited by Labcorp Genetics (formerly Invitae), Labcorp); PubMed 30925164 (cited by Labcorp Genetics (formerly Invitae), Labcorp).